The following is an entry in ClinVar:

ClinVar aggregate classification (germline): Benign. Review status: criteria provided, multiple submitters, no conflicts (2 of 4 stars). 2 submissions from 2 submitters: Benign (2). Last evaluated 2018-01-13.

Conditions:
Immunodeficiency 67. Also called: Immunodeficiency due to interleukin-1 receptor-associated kinase-4 deficiency. Identifiers: Orphanet 70592, MedGen C1843256, MONDO:0011888, OMIM 607676.

Allele frequency attached by ClinVar (database versions not stated): gnomAD exomes 0.00162; 1000 Genomes Project 0.00998; 1000 Genomes Project 30x 0.01093; gnomAD 0.01435 and 0.01572; TOPMed 0.01625.
gnomAD v4.1: 3,112 of 693,308 alleles (0.45%); highest among the groups gnomAD compares: African/African-American, 4.9%; 75 homozygotes.

Submissions (2):

Illumina Laboratory Services, Illumina
Classification: Benign for Immunodeficiency 67. Last evaluated: 2018-01-13. Review status: criteria provided, single submitter. Criteria: ICSL Variant Classification Criteria 13 December 2019. Collection method: clinical testing. Allele origin: germline.
Comment: This variant was observed in the ICSL laboratory as part of a predisposition screen in an ostensibly healthy population. It had not been previously curated by ICSL or reported in the Human Gene Mutation Database (HGMD: prior to June 1st, 2018), and was therefore a candidate for classification through an automated scoring system. Utilizing variant allele frequency, disease prevalence and penetrance estimates, and inheritance mode, an automated score was calculated to assess if this variant is too frequent to cause the disease. Based on the score and internal cut-off values, a variant classified as benign is not then subjected to further curation. The score for this variant resulted in a classification of benign for this disease.

Breakthrough Genomics
Classification: Benign. Review status: criteria provided, single submitter. Criteria: ACMG Guidelines, 2015. Collection method: not provided. Allele origin: germline. Inheritance: Autosomal recessive inheritance. Affected: yes.

NM_016123.4(IRAK4):c.*146T>C

Gene: IRAK4 (interleukin 1 receptor associated kinase 4; plus strand). Cytogenetic location: 12q12.
Variant type: single nucleotide variant.
Coding change: c.*146T>C on transcript NM_016123.4 (MANE Select); 146 bases downstream of the stop codon, T replaced by C.
Molecular consequence: 3 prime UTR variant.
Genome position (GRCh38, 1-based): chr12:43,786,861, T>C. VCF-style: chr12-43786861-T-C. GRCh37 (hg19) VCF-style: chr12-44180664-T-C.
Other names: c.*146T>C (NM_001114182.3, NM_001145256.2, NM_001145257.2 and 9 more transcripts).
Identifiers: ClinVar variation 308735 (VCV000308735.6), dbSNP rs4251546, ClinGen allele CA10637467.